The following is an entry in ClinVar:

ClinVar aggregate classification (germline): Uncertain significance (1 of 4 stars; one submission).

Allele frequency attached by ClinVar (database versions not stated): gnomAD exomes 0.00001.
gnomAD v4.1: 9 of 1,551,420 alleles (0.00058%); highest among the groups gnomAD compares: East Asian, 0.0049%; no homozygotes.

Submission:

Labcorp Genetics (formerly Invitae), Labcorp
Classification: Uncertain significance. Last evaluated: 2022-03-04. Review status: criteria provided, single submitter. Criteria: Invitae Variant Classification Sherloc (09022015). Collection method: clinical testing. Allele origin: germline.
Comment: This sequence change replaces arginine, which is basic and polar, with histidine, which is basic and polar, at codon 1231 of the UNC80 protein (p.Arg1231His). This variant is present in population databases (no rsID available, gnomAD 0.02%). This variant has not been reported in the literature in individuals affected with UNC80-related conditions. Algorithms developed to predict the effect of missense changes on protein structure and function are either unavailable or do not agree on the potential impact of this missense change (SIFT: "Not Available"; PolyPhen-2: "Probably Damaging"; Align-GVGD: "Not Available"). In summary, the available evidence is currently insufficient to determine the role of this variant in disease. Therefore, it has been classified as a Variant of Uncertain Significance.

NM_001371986.1(UNC80):c.3686G>A (p.Arg1229His)

Genes: UNC80 (unc-80 homolog, NALCN channel complex subunit; plus strand), LOC121725110 (Sharpr-MPRA regulatory region 8902; plus strand). Cytogenetic location: 2q34.
Variant type: single nucleotide variant.
Coding change: c.3686G>A on transcript NM_001371986.1 (MANE Select); coding-DNA position 3686, G replaced by A.
Protein change: p.Arg1229His; replaces arginine 1229 with histidine.
Molecular consequence: missense variant.
Genome position (GRCh38, 1-based): chr2:209,872,816, G>A. VCF-style: chr2-209872816-G-A. GRCh37 (hg19) VCF-style: chr2-210737540-G-A.
Other names: c.3692G>A, p.Arg1231His (NM_032504.2); c.3677G>A, p.Arg1226His (NM_182587.4); short protein forms R1229H, R1231H, R1226H.
Identifiers: ClinVar variation 1976637 (VCV001976637.2), dbSNP rs1338064927, ClinGen allele CA350741448.
Genomic context (GRCh38, chr2:209,872,816, plus strand): 5'-AGGAAGCCCCTGTGGTGGCCAGAGCAGCCTTGTTCCTGGAATGTGCTCGTTTTGTTCACC[G>A]CTGCAACCGTGGCAACTGGCCAGAGTGGATGAAAGGGCACCACGTGAACATCACCAAGAA-3'
Protein context (NP_001358915.1, residues 1219-1239): LFLECARFVH[Arg1229His]CNRGNWPEWM